The following is an entry in ClinVar:

ClinVar aggregate classification (germline): Uncertain significance. Review status: criteria provided, multiple submitters, no conflicts (2 of 4 stars). 3 submissions from 3 submitters: Uncertain significance (3). Last evaluated 2024-03-20.

Conditions:
Inborn genetic diseases. Identifiers: MedGen C0950123, MeSH D030342.

Allele frequency attached by ClinVar (database versions not stated): gnomAD 0.00001; TOPMed 0.00003.
gnomAD v4.1: 3 of 1,040,390 alleles (0.00029%); highest among the groups gnomAD compares: African/African-American, 0.0052%; no homozygotes.

Submissions (3):

Labcorp Genetics (formerly Invitae), Labcorp
Classification: Uncertain significance. Last evaluated: 2024-03-20. Review status: criteria provided, single submitter. Criteria: Invitae Variant Classification Sherloc (09022015). Collection method: clinical testing. Allele origin: germline.
Comment: This sequence change replaces glycine, which is neutral and non-polar, with arginine, which is basic and polar, at codon 1042 of the GRIN2D protein (p.Gly1042Arg). The frequency data for this variant in the population databases is considered unreliable, as metrics indicate insufficient coverage at this position in the gnomAD database. This variant has not been reported in the literature in individuals affected with GRIN2D-related conditions. ClinVar contains an entry for this variant (Variation ID: 985987). Advanced modeling of protein sequence and biophysical properties (such as structural, functional, and spatial information, amino acid conservation, physicochemical variation, residue mobility, and thermodynamic stability) performed at Invitae indicates that this missense variant is not expected to disrupt GRIN2D protein function with a negative predictive value of 95%. In summary, the available evidence is currently insufficient to determine the role of this variant in disease. Therefore, it has been classified as a Variant of Uncertain Significance.

GeneDx
Classification: Uncertain significance. Last evaluated: 2022-06-13. Review status: criteria provided, single submitter. Criteria: GeneDx Variant Classification Process June 2021. Collection method: clinical testing. Allele origin: germline. Affected: yes.
Comment: Not observed at significant frequency in large population cohorts (gnomAD); In silico analysis supports that this missense variant does not alter protein structure/function; Has not been previously published as pathogenic or benign to our knowledge

Ambry Genetics
Classification: Uncertain significance for Inborn genetic diseases. Last evaluated: 2020-08-19. Review status: criteria provided, single submitter. Criteria: Ambry Variant Classification Scheme 2023. Collection method: clinical testing. Allele origin: germline.
Comment: The alteration results in an amino acid change:_x000D_ _x000D_ The c.3124G>C (p.G1042R) alteration is located in exon 13 (coding exon 12) of the GRIN2D gene. This alteration results from a G to C substitution at nucleotide position 3124, causing the glycine (G) at amino acid position 1042 to be replaced by an arginine (R). The alteration is not observed in population databases:_x000D_ _x000D_ Based on data from the Genome Aggregation Database (gnomAD), the GRIN2D c.3124G>C alteration was not observed, with coverage at this position. The altered amino acid is not conserved throughout evolution:_x000D_ _x000D_ The p.G1042 amino acid is not conserved in available vertebrate species. The alteration is predicted tolerated by in silico modeling:_x000D_ _x000D_ The p.G1042R alteration is predicted to be tolerated by in silico analysis. Based on insufficient or conflicting evidence, the clinical significance of this alteration remains unclear.

NM_000836.4(GRIN2D):c.3124G>C (p.Gly1042Arg)

Gene: GRIN2D (glutamate ionotropic receptor NMDA type subunit 2D; plus strand). Cytogenetic location: 19q13.33.
Variant type: single nucleotide variant.
Coding change: c.3124G>C on transcript NM_000836.4 (MANE Select); coding-DNA position 3124, G replaced by C.
Protein change: p.Gly1042Arg; replaces glycine 1042 with arginine.
Molecular consequence: missense variant.
Genome position (GRCh38, 1-based): chr19:48,443,050, G>C. VCF-style: chr19-48443050-G-C. GRCh37 (hg19) VCF-style: chr19-48946307-G-C.
Other names: short protein forms G1042R.
Identifiers: ClinVar variation 985987 (VCV000985987.7), dbSNP rs1297532606, ClinGen allele CA406674922.
Genomic context (GRCh38, chr19:48,443,050, plus strand): 5'-GGCGCCTTCCCCGGCTTCCCGTCGCCGCCCGCGCCCCCCGCCGCCGCGGCCACCGCCGTC[G>C]GGCCGCCACTCTGCCGCTTGGCCTTCGAGGACGAGAGCCCGCCGGCGCCCGCGCGGTGGC-3'
Protein context (NP_000827.2, residues 1032-1052): APPAAAATAV[Gly1042Arg]PPLCRLAFED